The following is an entry in ClinVar:

ClinVar aggregate classification (germline): Uncertain significance (0 of 4 stars; one submission).

Conditions:
UCP3-related disorder. Also called: UCP3-related condition.

Submission:

PreventionGenetics, part of Exact Sciences
Classification: Uncertain significance for UCP3-related condition. Last evaluated: 2024-03-15. Review status: no assertion criteria provided. Collection method: clinical testing. Allele origin: germline.
Comment: The UCP3 c.385_389del5 variant is predicted to result in a frameshift and premature protein termination (p.Met129Glyfs*66). To our knowledge, this variant has not been reported in the literature or in a large population database, indicating this variant is rare. Although we suspect that this variant may be pathogenic, at this time, the clinical significance of this variant is uncertain due to the absence of conclusive functional and genetic evidence.

NM_003356.4(UCP3):c.385_389del (p.Met129fs)

Gene: UCP3 (uncoupling protein 3; minus strand). Cytogenetic location: 11q13.4.
Variant type: Deletion.
Coding change: c.385_389del on transcript NM_003356.4 (MANE Select); coding-DNA positions 385 to 389, 5 bases deleted (ATGGC; older notation c.385_389delATGGC).
Protein change: p.Met129fs; shifts the reading frame from methionine 129.
Molecular consequence: frameshift variant.
Genome position (GRCh38, 1-based): chr11:74,005,882-74,005,886, GCCAT deleted on the plus strand (ATGGC on the coding strand, the reverse complement: UCP3 is on the minus strand); deleting any 5 consecutive bases within chr11:74,005,882-74,005,887 gives the same sequence; the c. name uses the placement nearest the transcript's 3' end. VCF-style (leftmost placement, unchanged base first): chr11-74005881-CGCCAT-C. GRCh37 (hg19) VCF-style: chr11-73716926-CGCCAT-C.
Other names: c.385_389del, p.Met129fs (NM_022803.3); short protein forms M129fs.
Identifiers: ClinVar variation 3348055 (VCV003348055.1).